The following is an entry in ClinVar:

NM_173728.4(ARHGEF15):c.2273G>A (p.Cys758Tyr)

Gene: ARHGEF15 (Rho guanine nucleotide exchange factor 15; plus strand). Cytogenetic location: 17p13.1.
Variant type: single nucleotide variant.
Coding change: c.2273G>A on transcript NM_173728.4 (MANE Select); coding-DNA position 2273, G replaced by A.
Protein change: p.Cys758Tyr; replaces cysteine 758 with tyrosine.
Molecular consequence: missense variant.
Genome position (GRCh38, 1-based): chr17:8,319,502, G>A. VCF-style: chr17-8319502-G-A. GRCh37 (hg19) VCF-style: chr17-8222820-G-A.
Other names: c.2273G>A, p.Cys758Tyr (NM_025014.2); short protein forms C758Y.
Identifiers: ClinVar variation 2781564 (VCV002781564.3), dbSNP rs1362619626, ClinGen allele CA398025675.
Genomic context (GRCh38, chr17:8,319,502, plus strand): 5'-AGGAATATGGGGGAGAAGCTAAACAGAATCACTTTAATGTCACCCACCCCCAACCAGACT[G>A]TTCCCAGGAACTGTGTTCAGAGTCGTCTGCACCTGCCAAGACTGAAGGACGGAGTCTGGA-3'
Protein context (NP_776089.2, residues 748-768): SPDTIYEDCD[Cys758Tyr]SQELCSESSA

ClinVar aggregate classification (germline): Uncertain significance (1 of 4 stars; one submission).

Conditions:
Early-infantile DEE. Also called: Ohtahara syndrome; Early infantile epileptic encephalopathy; Early infantile epileptic encephalopathy with suppression bursts. Identifiers: Orphanet 1934, MedGen C0393706, MONDO:0800491.

Submission:

Labcorp Genetics (formerly Invitae), Labcorp
Classification: Uncertain significance for Early-infantile DEE. Last evaluated: 2025-02-03. Review status: criteria provided, single submitter. Criteria: Invitae Variant Classification Sherloc (09022015). Collection method: clinical testing. Allele origin: germline.
Comment: This sequence change replaces cysteine, which is neutral and slightly polar, with tyrosine, which is neutral and polar, at codon 758 of the ARHGEF15 protein (p.Cys758Tyr). This variant is not present in population databases (gnomAD no frequency). This variant has not been reported in the literature in individuals affected with ARHGEF15-related conditions. ClinVar contains an entry for this variant (Variation ID: 2781564). An algorithm developed to predict the effect of missense changes on protein structure and function (PolyPhen-2) suggests that this variant is likely to be disruptive. In summary, the available evidence is currently insufficient to determine the role of this variant in disease. Therefore, it has been classified as a Variant of Uncertain Significance.